The following is an entry in ClinVar:

ClinVar aggregate classification (germline): Uncertain significance (1 of 4 stars; one submission).

Allele frequency attached by ClinVar (database versions not stated): gnomAD exomes below 0.00001 and 0.00002; gnomAD 0.00001; TOPMed 0.00001; ExAC 0.00002.
gnomAD v4.1: 5 of 1,547,464 alleles (0.00032%); highest among the groups gnomAD compares: Admixed American, 0.0044%; no homozygotes.

Submission:

Labcorp Genetics (formerly Invitae), Labcorp
Classification: Uncertain significance. Last evaluated: 2020-11-03. Review status: criteria provided, single submitter. Criteria: Invitae Variant Classification Sherloc (09022015). Collection method: clinical testing. Allele origin: germline.
Comment: This sequence change affects codon 397 of the ERCC6L2 mRNA. It is a 'silent' change, meaning that it does not change the encoded amino acid sequence of the ERCC6L2 protein. This variant also falls at the last nucleotide of exon 6, which is part of the consensus splice site for this exon. This variant is present in population databases (rs774809620, ExAC 0.02%). This variant has not been reported in the literature in individuals with ERCC6L2-related conditions. Nucleotide substitutions within the consensus splice site are a relatively common cause of aberrant splicing (PMID: 17576681, 9536098). Algorithms developed to predict the effect of sequence changes on RNA splicing suggest that this variant may disrupt the consensus splice site, but this prediction has not been confirmed by published transcriptional studies. In summary, the available evidence is currently insufficient to determine the role of this variant in disease. Therefore, it has been classified as a Variant of Uncertain Significance.

Literature cited by the submitters: PubMed 17576681; PubMed 9536098.

NM_020207.7(ERCC6L2):c.1158G>A (p.Arg386=)

Gene: ERCC6L2 (ERCC excision repair 6 like 2; plus strand). Cytogenetic location: 9q22.32.
Variant type: single nucleotide variant.
Coding change: c.1158G>A on transcript NM_020207.7 (MANE Select); coding-DNA position 1158, G replaced by A.
Protein change: p.Arg386=; no amino-acid change (arginine 386 retained).
Molecular consequence: synonymous variant. On other transcripts: non-coding transcript variant (1).
Genome position (GRCh38, 1-based): chr9:95,916,434, G>A. VCF-style: chr9-95916434-G-A. GRCh37 (hg19) VCF-style: chr9-98678716-G-A.
Other names: c.1158G>A, p.Arg386= (NM_001010895.4, NM_001375291.1, NM_001375292.1 and 2 more transcripts).
Identifiers: ClinVar variation 1469157 (VCV001469157.6), dbSNP rs774809620, ClinGen allele CA5139468.